The following is an entry in ClinVar:

ClinVar aggregate classification (germline): Likely benign (1 of 4 stars; one submission).

Submission:

CeGaT Center for Human Genetics Tuebingen
Classification: Likely benign. Last evaluated: 2026-04-01. Review status: criteria provided, single submitter. Criteria: CeGaT Center For Human Genetics Tuebingen Variant Classification Criteria Version 2. Collection method: clinical testing. Allele origin: germline. Affected: yes. Observed: 1 variant allele.
Comment: OTOF: PM2:Supporting, BP4, BP7

NM_194248.3(OTOF):c.4881C>G (p.Gly1627=)

Gene: OTOF (otoferlin; minus strand). Cytogenetic location: 2p23.3.
Variant type: single nucleotide variant.
Coding change: c.4881C>G on transcript NM_194248.3 (MANE Select); coding-DNA position 4881, C replaced by G.
Protein change: p.Gly1627=; no amino-acid change (glycine 1627 retained).
Molecular consequence: synonymous variant.
Genome position (GRCh38, 1-based): chr2:26,464,948, G>C on the plus strand (C>G on the coding strand, the complement: OTOF is on the minus strand). VCF-style: chr2-26464948-G-C. GRCh37 (hg19) VCF-style: chr2-26687816-G-C.
Other names: c.4881C>G, p.Gly1627= (NM_001287489.2); c.2580C>G, p.Gly860= (NM_004802.4, NM_194323.3); c.2811C>G, p.Gly937= (NM_194322.3).
Identifiers: ClinVar variation 4873176 (VCV004873176.2).